The following is an entry in ClinVar:

NM_031885.5(BBS2):c.717+1G>A

Gene: BBS2 (Bardet-Biedl syndrome 2; minus strand). Cytogenetic location: 16q13.
Variant type: single nucleotide variant.
Coding change: c.717+1G>A on transcript NM_031885.5 (MANE Select); the canonical splice donor site of the intron after coding-DNA position 717, G replaced by A.
Molecular consequence: splice donor variant.
Genome position (GRCh38, 1-based): chr16:56,506,119, C>T on the plus strand (G>A on the coding strand, the complement: BBS2 is on the minus strand). VCF-style: chr16-56506119-C-T. GRCh37 (hg19) VCF-style: chr16-56540031-C-T.
Other names: c.717+1G>A (NM_001377456.1).
Identifiers: ClinVar variation 553071 (VCV000553071.12), dbSNP rs1047075022, ClinGen allele CA281482531.

ClinVar aggregate classification (germline): Pathogenic. Review status: criteria provided, multiple submitters, no conflicts (2 of 4 stars). 6 submissions from 6 submitters: Pathogenic (5). 1 of the submissions does not count toward it. Last evaluated 2025-08-07.

Conditions:
Retinitis pigmentosa 74 (RP74). Identifiers: Orphanet 791, MedGen C4225281, MONDO:0014692, OMIM 616562.
Bardet-Biedl syndrome 2 (BBS2). Identifiers: Orphanet 110, MedGen C2936863, MONDO:0014432, OMIM 615981.
Bardet-Biedl syndrome (BBS). Identifiers: Orphanet 110, MedGen C0752166, MONDO:0015229.

Allele frequency attached by ClinVar (database versions not stated): gnomAD exomes below 0.00001; gnomAD 0.00001; TOPMed 0.00001.
gnomAD v4.1: 20 of 1,613,088 alleles (0.0012%); highest among the groups gnomAD compares: Non-Finnish European, 0.0015%; no homozygotes.

Submissions (6):

Natera, Inc.
Classification: Pathogenic for Bardet-Biedl syndrome type 2. Last evaluated: 2025-08-07. Review status: criteria provided, single submitter. Criteria: Natera Variant Classification Schema (03/2026). Collection method: clinical testing. Allele origin: germline.
Comment: The c.717+1G>A variant in BBS2 is a canonical splice donor site variant predicted to affect pre-mRNA splicing, which may result in an abnormal transcript and altered protein product. This variant is expected to result in nonsense mediated decay, truncation, or a dysfunctional protein product. This variant is rare in the general population with a frequency below the threshold expected for the associated phenotype(s). This variant has been observed in one or more individuals affected with the associated recessive disease, as either homozygous or compound heterozygous with a second variant (PMID: 28717663). Functional studies show that this variant may disrupt protein function (PMID: 28717663). Given the available evidence, this variant is classified as Pathogenic.

Fulgent Genetics
Classification: Pathogenic for Bardet-Biedl syndrome 2; Retinitis pigmentosa 74. Last evaluated: 2024-03-08. Review status: criteria provided, single submitter. Criteria: ACMG Guidelines, 2015. Collection method: clinical testing. Allele origin: germline.

Labcorp Genetics (formerly Invitae), Labcorp
Classification: Pathogenic for Bardet-Biedl syndrome. Last evaluated: 2023-12-06. Review status: criteria provided, single submitter. Criteria: Invitae Variant Classification Sherloc (09022015). Collection method: clinical testing. Allele origin: germline.
Comment: This sequence change affects a donor splice site in intron 6 of the BBS2 gene. RNA analysis indicates that disruption of this splice site induces altered splicing and likely results in a shortened protein product. This variant is present in population databases (no rsID available, gnomAD 0.0009%). Disruption of this splice site has been observed in individual(s) with clinical features of Bardet-Biedl syndrome (PMID: 28717663). ClinVar contains an entry for this variant (Variation ID: 553071). Studies have shown that disruption of this splice site results in skipping of exon 6, but is expected to preserve the integrity of the reading-frame (PMID: 28717663). This variant disrupts a region of the BBS2 protein in which other variant(s) (p.Leu221Pro) have been observed in individuals with BBS2-related conditions (PMID: 20177705). This suggests that this is a clinically significant region of the protein, and that variants that disrupt it are likely to be disease-causing. For these reasons, this variant has been classified as Pathogenic.

Baylor Genetics
Classification: Pathogenic for Bardet-Biedl syndrome 2. Last evaluated: 2022-01-03. Review status: criteria provided, single submitter. Criteria: ACMG Guidelines, 2015. Collection method: clinical testing. Allele origin: unknown.

Revvity Omics, Revvity
Classification: Pathogenic. Last evaluated: 2019-10-29. Review status: criteria provided, single submitter. Criteria: ACMG Guidelines, 2015. Collection method: clinical testing. Allele origin: germline.

Counsyl
Classification: Likely pathogenic for Bardet-Biedl syndrome 2. Last evaluated: 2017-08-01. Review status: no assertion criteria provided. Collection method: clinical testing. Allele origin: unknown. Not counted in ClinVar's aggregate classification.

Literature cited by the submitters: PubMed 28717663 (cited by Natera, Inc. and Labcorp Genetics (formerly Invitae), Labcorp); PubMed 20177705 (cited by Labcorp Genetics (formerly Invitae), Labcorp).